The following is an entry in ClinVar:

NM_006005.3(WFS1):c.*91C>T

Gene: WFS1 (wolframin ER transmembrane glycoprotein; plus strand). Cytogenetic location: 4p16.1.
Variant type: single nucleotide variant.
Coding change: c.*91C>T on transcript NM_006005.3 (MANE Select); 91 bases downstream of the stop codon, C replaced by T.
Molecular consequence: 3 prime UTR variant.
Genome position (GRCh38, 1-based): chr4:6,302,559, C>T. VCF-style: chr4-6302559-C-T. GRCh37 (hg19) VCF-style: chr4-6304286-C-T.
Other names: c.*91C>T (NM_001145853.1).
Identifiers: ClinVar variation 349335 (VCV000349335.7), dbSNP rs1046319, ClinGen allele CA10619017.

ClinVar aggregate classification (germline): Benign. Review status: criteria provided, multiple submitters, no conflicts (2 of 4 stars). 4 submissions from 3 submitters: Benign (4). Last evaluated 2018-06-14.

Conditions:
Autosomal dominant nonsyndromic hearing loss 6 (LFSNHL). Also called: DEAFNESS, AUTOSOMAL DOMINANT 6; DEAFNESS, AUTOSOMAL DOMINANT 14; DEAFNESS, AUTOSOMAL DOMINANT 38; Autosomal dominant nonsyndromic deafness 6; DIDMOAD (Diabetes Insipidus, Diabetes Mellitus, Optic Atrophy, and Deafness). Identifiers: Orphanet 90635, MedGen C1833021, MONDO:0010963, OMIM 600965.
WFS1-Related Spectrum Disorders.

Allele frequency attached by ClinVar (database versions not stated): gnomAD 0.76546 and 0.77165; TOPMed 0.78220; 1000 Genomes Project 0.84804.
gnomAD v4.1: 1,169,391 of 1,571,184 alleles (74%); highest among the groups gnomAD compares: East Asian, 100%; 438,336 homozygotes.

Submissions (4):

GeneDx
Classification: Benign. Last evaluated: 2018-06-14. Review status: criteria provided, single submitter. Criteria: GeneDx Variant Classification Process June 2021. Collection method: clinical testing. Allele origin: germline. Affected: yes.

Illumina Laboratory Services, Illumina
Classification: Benign for Autosomal dominant nonsyndromic hearing loss 6. Last evaluated: 2018-01-13. Review status: criteria provided, single submitter. Criteria: ICSL Variant Classification Criteria 13 December 2019. Collection method: clinical testing. Allele origin: germline.
Comment: This variant was observed in the ICSL laboratory as part of a predisposition screen in an ostensibly healthy population. It had not been previously curated by ICSL or reported in the Human Gene Mutation Database (HGMD: prior to June 1st, 2018), and was therefore a candidate for classification through an automated scoring system. Utilizing variant allele frequency, disease prevalence and penetrance estimates, and inheritance mode, an automated score was calculated to assess if this variant is too frequent to cause the disease. Based on the score and internal cut-off values, a variant classified as benign is not then subjected to further curation. The score for this variant resulted in a classification of benign for this disease.

Illumina Laboratory Services, Illumina
Classification: Benign for WFS1-Related Spectrum Disorders. Last evaluated: 2018-01-13. Review status: criteria provided, single submitter. Criteria: ICSL Variant Classification Criteria 13 December 2019. Collection method: clinical testing. Allele origin: germline.
Comment: the same text as in the submission from Illumina Laboratory Services, Illumina above.

Breakthrough Genomics
Classification: Benign. Review status: criteria provided, single submitter. Criteria: ACMG Guidelines, 2015. Collection method: not provided. Allele origin: germline. Inheritance: Autosomal recessive inheritance. Affected: yes.